The following is an entry in ClinVar:

NM_001080453.3(INTS1):c.6248T>G (p.Phe2083Cys)

Gene: INTS1 (integrator complex subunit 1; minus strand). Cytogenetic location: 7p22.3.
Variant type: single nucleotide variant.
Coding change: c.6248T>G on transcript NM_001080453.3 (MANE Select); coding-DNA position 6248, T replaced by G.
Protein change: p.Phe2083Cys; replaces phenylalanine 2083 with cysteine.
Molecular consequence: missense variant.
Genome position (GRCh38, 1-based): chr7:1,471,578, A>C on the plus strand (T>G on the coding strand, the complement: INTS1 is on the minus strand). VCF-style: chr7-1471578-A-C. GRCh37 (hg19) VCF-style: chr7-1511214-A-C.
Other names: short protein forms F2083C.
Identifiers: ClinVar variation 713701 (VCV000713701.30), dbSNP rs201675191, ClinGen allele CA4118039.
Genomic context (GRCh38, chr7:1,471,578, plus strand): 5'-GTTCCCCAAGGGAGTGGCTCCTCCCAGCTCTCCCTCAGCCCCATCCAGCTCACCGAGAAG[A>C]AGCTCAGGATCTCGGGTCTCCGCCGGGACATCTCGTCTATGTCACTCAGAACCTCCAGCA-3'
Protein context (NP_001073922.2, residues 2073-2093): MSRRRPEILS[Phe2083Cys]FSTNLQRLMS

ClinVar aggregate classification (germline): Conflicting classifications of pathogenicity. Review status: criteria provided, conflicting classifications (1 of 4 stars). 5 submissions from 5 submitters: Uncertain significance (1); Likely benign (3). 1 of the submissions does not count toward it. Last evaluated 2024-10-16.

Conditions:
INTS1-related disorder. Also called: INTS1-related condition.
Inborn genetic diseases. Identifiers: MedGen C0950123, MeSH D030342.

Allele frequency attached by ClinVar (database versions not stated): gnomAD exomes 0.00046 and 0.00068; ExAC 0.00083; gnomAD 0.00132 and 0.00141; TOPMed 0.00147; 1000 Genomes Project 0.00180; ESP Exome Variant Server 0.00180; 1000 Genomes Project 30x 0.00187.
gnomAD v4.1: 898 of 1,612,220 alleles (0.056%); highest among the groups gnomAD compares: African/African-American, 0.38%; 3 homozygotes.

Submissions (5):

Blueprint Genetics
Classification: Likely benign. Last evaluated: 2024-10-16. Review status: criteria provided, single submitter. Criteria: ACMG Guidelines, 2015. Collection method: clinical testing. Allele origin: germline.

CeGaT Center for Human Genetics Tuebingen
Classification: Uncertain significance. Last evaluated: 2023-12-01. Review status: criteria provided, single submitter. Criteria: CeGaT Center For Human Genetics Tuebingen Variant Classification Criteria Version 2. Collection method: clinical testing. Allele origin: germline. Affected: yes. Observed: 2 variant alleles.

Ambry Genetics
Classification: Likely benign for Inborn genetic diseases. Last evaluated: 2023-09-29. Review status: criteria provided, single submitter. Criteria: Ambry Variant Classification Scheme 2023. Collection method: clinical testing. Allele origin: germline.

Labcorp Genetics (formerly Invitae), Labcorp
Classification: Likely benign. Last evaluated: 2018-07-23. Review status: criteria provided, single submitter. Criteria: Invitae Variant Classification Sherloc (09022015). Collection method: clinical testing. Allele origin: germline.

PreventionGenetics, part of Exact Sciences
Classification: Likely benign for INTS1-related condition. Last evaluated: 2022-03-07. Review status: no assertion criteria provided. Collection method: clinical testing. Allele origin: germline. Not counted in ClinVar's aggregate classification.
Comment: This variant is classified as likely benign based on ACMG/AMP sequence variant interpretation guidelines (Richards et al. 2015 PMID: 25741868, with internal and published modifications).